The following is an entry in ClinVar:

NM_004006.3(DMD):c.9130G>A (p.Asp3044Asn)

Gene: DMD (dystrophin; minus strand). Cytogenetic location: Xp21.2.
Variant type: single nucleotide variant.
Coding change: c.9130G>A on transcript NM_004006.3 (MANE Select); coding-DNA position 9130, G replaced by A.
Protein change: p.Asp3044Asn; replaces aspartic acid 3044 with asparagine.
Molecular consequence: missense variant.
Genome position (GRCh38, 1-based): chrX:31,348,589, C>T on the plus strand (G>A on the coding strand, the complement: DMD is on the minus strand). VCF-style: chrX-31348589-C-T. GRCh37 (hg19) VCF-style: chrX-31366706-C-T.
Other names: c.9106G>A, p.Asp3036Asn (NM_000109.4); c.9118G>A, p.Asp3040Asn (NM_004009.3); c.8761G>A, p.Asp2921Asn (NM_004010.3); c.5107G>A, p.Asp1703Asn (NM_004011.4); c.5098G>A, p.Asp1700Asn (NM_004012.4); c.1750G>A, p.Asp584Asn (NM_004013.3, NM_004020.4, NM_004021.3 and 2 more transcripts); c.943G>A, p.Asp315Asn (NM_004014.3); short protein forms D3036N, D3044N, D315N, D1700N, D1703N, D2921N, D3040N, D584N.
Identifiers: ClinVar variation 3698869 (VCV003698869.2), dbSNP rs754722195.
Genomic context (GRCh38, chrX:31,348,589, plus strand): 5'-AAGTGATAAAAGCTGAAAATGACTTACTGGAAAGAAAGTGCTGAGATGCTGGACCAAAGT[C>T]CCTGTGGGCTTCATGCAGCTGCCTGACTCGGTCCTCGACGGCCACCTGGGAGGAAAAGGA-3'
Protein context (NP_003997.2, residues 3034-3054): RVRQLHEAHR[Asp3044Asn]FGPASQHFLS

ClinVar aggregate classification (germline): Uncertain significance (1 of 4 stars; one submission).

Conditions:
Duchenne muscular dystrophy (DMD). Also called: MUSCULAR DYSTROPHY, PSEUDOHYPERTROPHIC PROGRESSIVE, DUCHENNE TYPE; Duchenne Muscular Dystrophy (DMD). Identifiers: Orphanet 98896, MedGen C0013264, MONDO:0010679, OMIM 310200.

Allele frequency attached by ClinVar (database versions not stated): ExAC 0.00001; gnomAD exomes 0.00001; TOPMed 0.00001; gnomAD 0.00002.
gnomAD v4.1: 2 of 1,209,677 alleles (0.00017%); highest among the groups gnomAD compares: African/African-American, 0.0035%; no homozygotes.

Submission:

Labcorp Genetics (formerly Invitae), Labcorp
Classification: Uncertain significance for Duchenne muscular dystrophy. Last evaluated: 2024-10-13. Review status: criteria provided, single submitter. Criteria: Invitae Variant Classification Sherloc (09022015). Collection method: clinical testing. Allele origin: germline.
Comment: This sequence change replaces aspartic acid, which is acidic and polar, with asparagine, which is neutral and polar, at codon 3044 of the DMD protein (p.Asp3044Asn). This variant is not present in population databases (gnomAD no frequency). This variant has not been reported in the literature in individuals affected with DMD-related conditions. Invitae Evidence Modeling of protein sequence and biophysical properties (such as structural, functional, and spatial information, amino acid conservation, physicochemical variation, residue mobility, and thermodynamic stability) indicates that this missense variant is not expected to disrupt DMD protein function with a negative predictive value of 95%. In summary, the available evidence is currently insufficient to determine the role of this variant in disease. Therefore, it has been classified as a Variant of Uncertain Significance.